The following is an entry in ClinVar:

ClinVar aggregate classification (germline): Uncertain significance (1 of 4 stars; one submission).

Conditions:
Pitt-Hopkins-like syndrome 2 (PTHSL2). Identifiers: Orphanet 221150, Orphanet 600663, MedGen C3280479, MONDO:0013690, OMIM 614325.

Submission:

Labcorp Genetics (formerly Invitae), Labcorp
Classification: Uncertain significance for Pitt-Hopkins-like syndrome 2. Last evaluated: 2018-10-12. Review status: criteria provided, single submitter. Criteria: Invitae Variant Classification Sherloc (09022015). Collection method: clinical testing. Allele origin: germline.
Comment: In summary, the available evidence is currently insufficient to determine the role of this variant in disease. Therefore, it has been classified as a Variant of Uncertain Significance. Algorithms developed to predict the effect of missense changes on protein structure and function (SIFT, PolyPhen-2, Align-GVGD) all suggest that this variant is likely to be tolerated, but these predictions have not been confirmed by published functional studies and their clinical significance is uncertain. This sequence change replaces alanine with serine at codon 870 of the NRXN1 protein (p.Ala870Ser). The alanine residue is highly conserved and there is a moderate physicochemical difference between alanine and serine. This variant is not present in population databases (ExAC no frequency). This variant has not been reported in the literature in individuals with NRXN1-related disease.

NM_001330078.2(NRXN1):c.2488G>T (p.Ala830Ser)

Gene: NRXN1 (neurexin 1; minus strand). Cytogenetic location: 2p16.3.
Variant type: single nucleotide variant.
Coding change: c.2488G>T on transcript NM_001330078.2 (MANE Select); coding-DNA position 2488, G replaced by T.
Protein change: p.Ala830Ser; replaces alanine 830 with serine.
Molecular consequence: missense variant.
Genome position (GRCh38, 1-based): chr2:50,506,504, C>A on the plus strand (G>T on the coding strand, the complement: NRXN1 is on the minus strand). VCF-style: chr2-50506504-C-A. GRCh37 (hg19) VCF-style: chr2-50733642-C-A.
Other names: c.2608G>T, p.Ala870Ser (NM_001135659.3); c.2464G>T, p.Ala822Ser (NM_001330077.2, NM_001330082.2); c.2422G>T, p.Ala808Ser (NM_001330083.2, NM_001330084.2); c.2461G>T, p.Ala821Ser (NM_001330085.2); c.2488G>T, p.Ala830Ser (NM_001330086.2, NM_004801.6); c.2377G>T, p.Ala793Ser (NM_001330087.2, NM_001330096.2); c.2407G>T, p.Ala803Ser (NM_001330088.2); c.2485G>T, p.Ala829Ser (NM_001330093.2); and 2 more; short protein forms A803S, A870S, A822S, A793S, A813S, A830S, A808S, A821S.
Identifiers: ClinVar variation 661374 (VCV000661374.8), dbSNP rs759806453, ClinGen allele CA346777845.